The following is an entry in ClinVar:

NM_018076.5(ODAD2):c.1454C>G (p.Thr485Ser)

Gene: ODAD2 (outer dynein arm docking complex subunit 2; minus strand). Cytogenetic location: 10p12.1.
Variant type: single nucleotide variant.
Coding change: c.1454C>G on transcript NM_018076.5 (MANE Select); coding-DNA position 1454, C replaced by G.
Protein change: p.Thr485Ser; replaces threonine 485 with serine.
Molecular consequence: missense variant.
Genome position (GRCh38, 1-based): chr10:27,944,895, G>C on the plus strand (C>G on the coding strand, the complement: ODAD2 is on the minus strand). VCF-style: chr10-27944895-G-C. GRCh37 (hg19) VCF-style: chr10-28233824-G-C.
Other names: c.1454C>G, p.Thr485Ser (NM_001290020.2); c.29C>G, p.Thr10Ser (NM_001290021.2); c.530C>G, p.Thr177Ser (NM_001312689.2); short protein forms T485S, T10S, T177S.
Identifiers: ClinVar variation 541497 (VCV000541497.6), dbSNP rs763275340, ClinGen allele CA5453534.

ClinVar aggregate classification (germline): Uncertain significance (1 of 4 stars; one submission).

Conditions:
Primary ciliary dyskinesia 23 (CILD23). Also called: CILIARY DYSKINESIA, PRIMARY, 23, WITH OR WITHOUT SITUS INVERSUS. Identifiers: Orphanet 244, MedGen C3809548, MONDO:0014193, OMIM 615451.

Allele frequency attached by ClinVar (database versions not stated): TOPMed 0.00002.
gnomAD v4.1: 5 of 1,614,062 alleles (0.00031%); highest among the groups gnomAD compares: Admixed American, 0.005%; no homozygotes.

Submission:

Labcorp Genetics (formerly Invitae), Labcorp
Classification: Uncertain significance for Primary ciliary dyskinesia 23. Last evaluated: 2023-12-09. Review status: criteria provided, single submitter. Criteria: Invitae Variant Classification Sherloc (09022015). Collection method: clinical testing. Allele origin: germline.
Comment: This sequence change replaces threonine, which is neutral and polar, with serine, which is neutral and polar, at codon 485 of the ARMC4 protein (p.Thr485Ser). This variant is not present in population databases (gnomAD no frequency). This variant has not been reported in the literature in individuals affected with ARMC4-related conditions. ClinVar contains an entry for this variant (Variation ID: 541497). An algorithm developed to predict the effect of missense changes on protein structure and function (PolyPhen-2) suggests that this variant¬†is likely to be tolerated. In summary, the available evidence is currently insufficient to determine the role of this variant in disease. Therefore, it has been classified as a Variant of Uncertain Significance.